The following is an entry in ClinVar:

NM_006579.3(EBP):c.470-3C>T

Gene: EBP (EBP cholestenol delta-isomerase; plus strand). Cytogenetic location: Xp11.23.
Variant type: single nucleotide variant.
Coding change: c.470-3C>T on transcript NM_006579.3 (MANE Select); 3 bases into the intron before coding-DNA position 470, C replaced by T.
Molecular consequence: intron variant.
Genome position (GRCh38, 1-based): chrX:48,528,231, C>T. VCF-style: chrX-48528231-C-T. GRCh37 (hg19) VCF-style: chrX-48386619-C-T.
Identifiers: ClinVar variation 2018704 (VCV002018704.4), dbSNP rs2519112442, ClinGen allele CA2579599819.
Genomic context (GRCh38, chrX:48,528,231, plus strand): 5'-GAGAATTGGCGAAAGTGTCCCCTTCCTCACTGGGGCTTCTCCTTCCCCTCCTGCCACCCA[C>T]AGGCCAGATCTATGGGGATGTGCTCTACTTCCTGACAGAGCACCGCGACGGATTCCAGCA-3'

ClinVar aggregate classification (germline): Uncertain significance (1 of 4 stars; one submission).

Allele frequency attached by ClinVar (database versions not stated): gnomAD exomes below 0.00001.
gnomAD v4.1: 1 of 1,207,096 alleles (0.000083%); highest among the groups gnomAD compares: Non-Finnish European, 0.00011%; no homozygotes.

Submission:

Labcorp Genetics (formerly Invitae), Labcorp
Classification: Uncertain significance. Last evaluated: 2022-07-21. Review status: criteria provided, single submitter. Criteria: Invitae Variant Classification Sherloc (09022015). Collection method: clinical testing. Allele origin: germline.
Comment: In summary, the available evidence is currently insufficient to determine the role of this variant in disease. Therefore, it has been classified as a Variant of Uncertain Significance. Variants that disrupt the consensus splice site are a relatively common cause of aberrant splicing (PMID: 17576681, 9536098). Algorithms developed to predict the effect of sequence changes on RNA splicing suggest that this variant is not likely to affect RNA splicing. This variant has not been reported in the literature in individuals affected with EBP-related conditions. This variant is not present in population databases (gnomAD no frequency). This sequence change falls in intron 4 of the EBP gene. It does not directly change the encoded amino acid sequence of the EBP protein. It affects a nucleotide within the consensus splice site.

Literature cited by the submitters: PubMed 17576681; PubMed 9536098.